The following is an entry in ClinVar:

ClinVar aggregate classification (germline): Uncertain significance (1 of 4 stars; one submission).

Conditions:
Cardiovascular phenotype. Identifiers: MedGen CN230736.

Submission:

Ambry Genetics
Classification: Uncertain significance for Cardiovascular phenotype. Last evaluated: 2025-10-02. Review status: criteria provided, single submitter. Criteria: Ambry Variant Classification Scheme 2023. Collection method: clinical testing. Allele origin: germline.
Comment: The p.A192S variant (also known as c.574G>T), located in coding exon 11 of the TNNT2 gene, results from a G to T substitution at nucleotide position 574. The alanine at codon 192 is replaced by serine, an amino acid with similar properties. This amino acid position is well conserved in available vertebrate species. In addition, this alteration is predicted to be tolerated by in silico analysis. Based on the available evidence, the clinical significance of this variant remains unclear.

NM_001276345.2(TNNT2):c.604G>T (p.Ala202Ser)

Gene: TNNT2 (troponin T2, cardiac type; minus strand). Cytogenetic location: 1q32.1.
Variant type: single nucleotide variant.
Coding change: c.604G>T on transcript NM_001276345.2 (MANE Select); coding-DNA position 604, G replaced by T.
Protein change: p.Ala202Ser; replaces alanine 202 with serine.
Molecular consequence: missense variant. On other transcripts: intron variant (6).
Genome position (GRCh38, 1-based): chr1:201,362,391, C>A on the plus strand (G>T on the coding strand, the complement: TNNT2 is on the minus strand). VCF-style: chr1-201362391-C-A. GRCh37 (hg19) VCF-style: chr1-201331519-C-A.
Other names: c.574G>T, p.Ala192Ser (NM_001001430.3, NM_001276347.2, NM_001406724.1); c.556G>T, p.Ala186Ser (NM_001001432.3); c.571G>T, p.Ala191Ser (NM_001406725.1); c.559G>T, p.Ala187Ser (NM_001406728.1); c.571-369G>T (NM_001406727.1, NM_001001431.3, NM_001406726.1); c.481-369G>T (NM_001276346.2); c.601-369G>T (NM_000364.4, NM_001406723.1); short protein forms A191S, A192S, A187S, A202S, A186S.
Identifiers: ClinVar variation 4615121 (VCV004615121.1).